The following is an entry in ClinVar:

NM_001754.5(RUNX1):c.976G>A (p.Asp326Asn)

Gene: RUNX1 (RUNX family transcription factor 1; minus strand). Cytogenetic location: 21q22.12.
Variant type: single nucleotide variant.
Coding change: c.976G>A on transcript NM_001754.5 (MANE Select); coding-DNA position 976, G replaced by A.
Protein change: p.Asp326Asn; replaces aspartic acid 326 with asparagine.
Molecular consequence: missense variant.
Genome position (GRCh38, 1-based): chr21:34,792,602, C>T on the plus strand (G>A on the coding strand, the complement: RUNX1 is on the minus strand). VCF-style: chr21-34792602-C-T. GRCh37 (hg19) VCF-style: chr21-36164899-C-T.
Other names: NM_001754.5(RUNX1):c.976G>A; p.Asp326Asn; c.895G>A, p.Asp299Asn (NM_001001890.3); short protein forms D326N, D299N.
Identifiers: ClinVar variation 854130 (VCV000854130.11), dbSNP rs1217420692, ClinGen allele CA410148819.

ClinVar aggregate classification (germline): Uncertain significance. Review status: reviewed by expert panel (3 of 4 stars). 3 submissions from 3 submitters: Uncertain significance (1). 2 of the submissions do not count toward it. Last evaluated 2024-08-01.

Conditions:
Hereditary thrombocytopenia and hematologic cancer predisposition syndrome. Identifiers: Orphanet 71290, MedGen CN281654, MONDO:0011071.
Inborn genetic diseases. Identifiers: MedGen C0950123, MeSH D030342.
Hereditary thrombocytopenia and hematological cancer predisposition syndrome associated with RUNX1. Also called: RUNX1 Familial Platelet Disorder with Associated Myeloid Malignancies; PLATELET DISORDER, ASPIRIN-LIKE; Familial Platelet Disorder with Propensity to Acute Myelogenous Leukemia; Familial thrombocytopenia with propensity to acute myelogenous leukemia. Identifiers: Orphanet 71290, MedGen C1832388, MeSH C563324, MONDO:0100083, OMIM 601399.

Allele frequency attached by ClinVar (database versions not stated): gnomAD exomes 0.00001; TOPMed 0.00001.
gnomAD v4.1: 8 of 1,590,482 alleles (0.0005%); highest among the groups gnomAD compares: Non-Finnish European, 0.00068%; no homozygotes.

Submissions (3):

ClinGen Myeloid Malignancy Variant Curation Expert Panel
Classification: Uncertain significance for Hereditary thrombocytopenia and hematologic cancer predisposition syndrome. Last evaluated: 2024-08-01. Review status: reviewed by expert panel. Criteria: ClinGen MyeloMalig ACMG Specifications v2. Collection method: curation. Allele origin: germline. Inheritance: Autosomal dominant inheritance.
Comment: NM_001754.5(RUNX1):c.976G>A (p.Asp326Asn) is a missense variant with a population frequency of 0.000005094 in gnomAD v2.1.1. This missense variant does not affect either one of the 13 AA established residues or other AA residues 89-204 within the Runt Homology Domain (RHD). This missense variant has a REVEL score <0.50 (0.183) (BP4). In summary, the clinical significance of this variant is uncertain. ACMG/AMP criteria applied, as specified by the Myeloid Malignancy Variant Curation Expert Panel for RUNX1: BP4.

Ambry Genetics
Classification: Likely benign for Inborn genetic diseases. Last evaluated: 2025-02-07. Review status: criteria provided, single submitter. Criteria: Ambry Variant Classification Scheme 2023. Collection method: clinical testing. Allele origin: germline. Not counted in ClinVar's aggregate classification.

Labcorp Genetics (formerly Invitae), Labcorp
Classification: Uncertain significance for Hereditary thrombocytopenia and hematological cancer predisposition syndrome associated with RUNX1. Last evaluated: 2022-05-19. Review status: criteria provided, single submitter. Criteria: Invitae Variant Classification Sherloc (09022015). Collection method: clinical testing. Allele origin: germline. Not counted in ClinVar's aggregate classification.
Comment: In summary, the available evidence is currently insufficient to determine the role of this variant in disease. Therefore, it has been classified as a Variant of Uncertain Significance. Algorithms developed to predict the effect of missense changes on protein structure and function (SIFT, PolyPhen-2, Align-GVGD) all suggest that this variant is likely to be tolerated. ClinVar contains an entry for this variant (Variation ID: 854130). This variant has not been reported in the literature in individuals affected with RUNX1-related conditions. The frequency data for this variant in the population databases is considered unreliable, as metrics indicate poor data quality at this position in the gnomAD database. This sequence change replaces aspartic acid, which is acidic and polar, with asparagine, which is neutral and polar, at codon 326 of the RUNX1 protein (p.Asp326Asn).